The following is an entry in ClinVar:

NM_003482.4(KMT2D):c.13133A>G (p.Asp4378Gly)

Gene: KMT2D (lysine methyltransferase 2D; minus strand). Cytogenetic location: 12q13.12.
Variant type: single nucleotide variant.
Coding change: c.13133A>G on transcript NM_003482.4 (MANE Select); coding-DNA position 13133, A replaced by G.
Protein change: p.Asp4378Gly; replaces aspartic acid 4378 with glycine.
Molecular consequence: missense variant.
Genome position (GRCh38, 1-based): chr12:49,031,572, T>C on the plus strand (A>G on the coding strand, the complement: KMT2D is on the minus strand). VCF-style: chr12-49031572-T-C. GRCh37 (hg19) VCF-style: chr12-49425355-T-C.
Other names: short protein forms D4378G.
Identifiers: ClinVar variation 2475932 (VCV002475932.4), dbSNP rs1002075094, ClinGen allele CA236638804.
Genomic context (GRCh38, chr12:49,031,572, plus strand): 5'-TGCCCAGGTACCAGGCTGCTCTGCTCTGGCTTCTGGGTTTCTGCTAGGTTGTCTGGGGGA[T>C]CCCAAGGTCCCAGACCCTTGCTAAACAAGGTATCTGCAAGCTGGGCAGCAGCAGGTGAGA-3'
Protein context (NP_003473.3, residues 4368-4388): TLFSKGLGPW[Asp4378Gly]PPDNLAETQK

ClinVar aggregate classification (germline): Uncertain significance. Review status: criteria provided, multiple submitters, no conflicts (2 of 4 stars). 2 submissions from 2 submitters: Uncertain significance (2). Last evaluated 2024-12-24.

Conditions:
Kabuki syndrome. Also called: Kabuki make-up syndrome; NIIKAWA-KUROKI SYNDROME. Identifiers: Orphanet 2322, MedGen C0796004, MONDO:0016512.
Inborn genetic diseases. Identifiers: MedGen C0950123, MeSH D030342.

Allele frequency attached by ClinVar (database versions not stated): gnomAD 0.00001; gnomAD exomes 0.00003.
gnomAD v4.1: 42 of 1,599,942 alleles (0.0026%); highest among the groups gnomAD compares: Non-Finnish European, 0.0035%; no homozygotes.

Submissions (2):

Labcorp Genetics (formerly Invitae), Labcorp
Classification: Uncertain significance for Kabuki syndrome. Last evaluated: 2024-12-24. Review status: criteria provided, single submitter. Criteria: Invitae Variant Classification Sherloc (09022015). Collection method: clinical testing. Allele origin: germline.
Comment: This sequence change replaces aspartic acid, which is acidic and polar, with glycine, which is neutral and non-polar, at codon 4378 of the KMT2D protein (p.Asp4378Gly). This variant is not present in population databases (gnomAD no frequency). This variant has not been reported in the literature in individuals affected with KMT2D-related conditions. ClinVar contains an entry for this variant (Variation ID: 2475932). Invitae Evidence Modeling of protein sequence and biophysical properties (such as structural, functional, and spatial information, amino acid conservation, physicochemical variation, residue mobility, and thermodynamic stability) indicates that this missense variant is not expected to disrupt KMT2D protein function with a negative predictive value of 95%. In summary, the available evidence is currently insufficient to determine the role of this variant in disease. Therefore, it has been classified as a Variant of Uncertain Significance.

Ambry Genetics
Classification: Uncertain significance for Inborn genetic diseases. Last evaluated: 2023-01-17. Review status: criteria provided, single submitter. Criteria: Ambry Variant Classification Scheme 2023. Collection method: clinical testing. Allele origin: germline.